The following is an entry in ClinVar:

ClinVar aggregate classification (germline): Likely benign. Review status: criteria provided, multiple submitters, no conflicts (2 of 4 stars). 3 submissions from 3 submitters: Likely benign (3). Last evaluated 2026-06-17.

Conditions:
PKHD1-related disorder. Also called: PKHD1-related condition.
Polycystic kidney disease 4 (PKD4). Also called: PKD3; Autosomal Recessive Polycystic Kidney Disease – PKHD1; POLYCYSTIC KIDNEY AND HEPATIC DISEASE 1; POLYCYSTIC KIDNEY DISEASE, INFANTILE, TYPE I; POLYCYSTIC KIDNEY DISEASE 4 WITH OR WITHOUT POLYCYSTIC LIVER DISEASE. Identifiers: MedGen C4540575, MONDO:0033004, OMIM 263200.
Autosomal recessive polycystic kidney disease (ARPKD). Also called: AR polycystic kidney disease. Identifiers: Orphanet 731, Orphanet 8378, MedGen C0085548, MeSH D017044, MONDO:0009889.

Allele frequency attached by ClinVar (database versions not stated): ExAC 0.00001; gnomAD exomes 0.00001 and 0.00002; gnomAD 0.00002; TOPMed 0.00002.
gnomAD v4.1: 30 of 1,610,052 alleles (0.0019%); highest among the groups gnomAD compares: African/African-American, 0.0027%; no homozygotes.

Submissions (3):

PreventionGenetics, part of Exact Sciences
Classification: Likely benign for PKHD1-related condition. Last evaluated: 2026-06-17. Review status: criteria provided, single submitter. Criteria: ACMG Guidelines, 2015. Collection method: clinical testing. Allele origin: germline.
Comment: This variant is classified as likely benign based on ACMG/AMP sequence variant interpretation guidelines (Richards et al. 2015 PMID: 25741868, with internal and published modifications).

Labcorp Genetics (formerly Invitae), Labcorp
Classification: Likely benign for Autosomal recessive polycystic kidney disease. Last evaluated: 2025-11-02. Review status: criteria provided, single submitter. Criteria: Invitae Variant Classification Sherloc (09022015). Collection method: clinical testing. Allele origin: germline.

Fulgent Genetics
Classification: Likely benign for Polycystic kidney disease 4. Last evaluated: 2022-03-11. Review status: criteria provided, single submitter. Criteria: ACMG Guidelines, 2015. Collection method: clinical testing. Allele origin: unknown.

NM_138694.4(PKHD1):c.108G>A (p.Thr36=)

Gene: PKHD1 (PKHD1 ciliary IPT domain containing fibrocystin/polyductin; minus strand). Cytogenetic location: 6p12.2.
Variant type: single nucleotide variant.
Coding change: c.108G>A on transcript NM_138694.4 (MANE Select); coding-DNA position 108, G replaced by A.
Protein change: p.Thr36=; no amino-acid change (threonine 36 retained).
Molecular consequence: synonymous variant.
Genome position (GRCh38, 1-based): chr6:52,083,200, C>T on the plus strand (G>A on the coding strand, the complement: PKHD1 is on the minus strand). VCF-style: chr6-52083200-C-T. GRCh37 (hg19) VCF-style: chr6-51947998-C-T.
Other names: c.108G>A, p.Thr36= (NM_170724.3).
Identifiers: ClinVar variation 702533 (VCV000702533.13), dbSNP rs779123303, ClinGen allele CA3854040.